The following is an entry in ClinVar:

NM_170682.4(P2RX2):c.309+5G>A

Gene: P2RX2 (purinergic receptor P2X 2; plus strand). Cytogenetic location: 12q24.33.
Variant type: single nucleotide variant.
Coding change: c.309+5G>A on transcript NM_170682.4 (MANE Select); 5 bases into the intron after coding-DNA position 309, G replaced by A.
Molecular consequence: intron variant.
Genome position (GRCh38, 1-based): chr12:132,619,579, G>A. VCF-style: chr12-132619579-G-A. GRCh37 (hg19) VCF-style: chr12-133196165-G-A.
Other names: c.309+5G>A (NM_001282165.2, NM_170683.4, NM_174873.3 and 2 more transcripts); c.241+5G>A (NM_012226.5); c.106-265G>A (NM_174872.3).
Identifiers: ClinVar variation 2717423 (VCV002717423.3), dbSNP rs763193729, ClinGen allele CA608513656.

ClinVar aggregate classification (germline): Uncertain significance (1 of 4 stars; one submission).

gnomAD v4.1: 2 of 1,608,618 alleles (0.00012%); highest among the groups gnomAD compares: Admixed American, 0.0017%; no homozygotes.

Submission:

Labcorp Genetics (formerly Invitae), Labcorp
Classification: Uncertain significance. Last evaluated: 2023-10-05. Review status: criteria provided, single submitter. Criteria: Invitae Variant Classification Sherloc (09022015). Collection method: clinical testing. Allele origin: germline.
Comment: This sequence change falls in intron 2 of the P2RX2 gene. It does not directly change the encoded amino acid sequence of the P2RX2 protein. It affects a nucleotide within the consensus splice site. This variant is present in population databases (no rsID available, gnomAD 0.001%). This variant has not been reported in the literature in individuals affected with P2RX2-related conditions. Variants that disrupt the consensus splice site are a relatively common cause of aberrant splicing (PMID: 17576681, 9536098). Algorithms developed to predict the effect of sequence changes on RNA splicing suggest that this variant is not likely to affect RNA splicing. In summary, the available evidence is currently insufficient to determine the role of this variant in disease. Therefore, it has been classified as a Variant of Uncertain Significance.

Literature cited by the submitters: PubMed 17576681; PubMed 9536098.